The following is an entry in ClinVar:

ClinVar aggregate classification (germline): Pathogenic (1 of 4 stars; one submission).

Conditions:
ADNP-related multiple congenital anomalies - intellectual disability - autism spectrum disorder. Also called: Helsmoortel-Van der Aa Syndrome; ADNP-Related Helsmoortel-Van der Aa Syndrome. Identifiers: Orphanet 404448, MedGen C4014538, MONDO:0014379, OMIM 615873. Disease mechanism: loss of function.

Submission:

Medical Genetics Clinic, University of Catania
Classification: Pathogenic for ADNP-related multiple congenital anomalies - intellectual disability - autism spectrum disorder. Last evaluated: 2026-07-22. Review status: criteria provided, single submitter. Criteria: ACMG Guidelines, 2015. Collection method: clinical testing. Allele origin: de novo. Inheritance: Autosomal dominant inheritance. Affected: yes.
Comment: The c.1309_1310dup variant in the ADNP gene is a duplication of two nucleotides leading to a frameshift starting at codon 438, with substitution of glycine by glutamine and the creation of a premature termination codon 41 amino acids downstream in the altered reading frame (p.Gly438GlnfsTer41). This results in a predicted truncated ADNP protein with an abnormal C-terminal sequence relative to the canonical protein. Most ADNP pathogenic variants are nonsense or frameshift variants in the last coding exon, exon 6, that lead to predicted protein truncation and have been demonstrated to escape nonsense-mediated decay [PMID: 24531329, PMID: 29724491]. In the light of the above the c.1309_1310dup variant in the ADNP gene has been classified as a Pathogenic variant.

Literature cited by the submitters: PubMed 24531329; PubMed 29724491.

NM_001282531.3(ADNP):c.1309_1310dup (p.Gly438fs)

Gene: ADNP (activity dependent neuroprotector homeobox; minus strand). Cytogenetic location: 20q13.13.
Variant type: Duplication.
Coding change: c.1309_1310dup on transcript NM_001282531.3 (MANE Select); coding-DNA positions 1309 to 1310, 2 bases duplicated (CC; older notation c.1309_1310dupCC).
Protein change: p.Gly438fs; shifts the reading frame from glycine 438.
Molecular consequence: frameshift variant.
Genome position (GRCh38, 1-based): chr20:50,893,404-50,893,405, GG duplicated on the plus strand (CC on the coding strand, the reverse complement: ADNP is on the minus strand); duplicating any 2 consecutive bases within chr20:50,893,404-50,893,408 gives the same sequence; the c. name uses the placement nearest the transcript's 3' end. VCF-style (leftmost placement, unchanged base first): chr20-50893403-T-TGG. GRCh37 (hg19) VCF-style: chr20-49509940-T-TGG.
Other names: Gly438GlnfsTer41; c.1309_1310dup, p.Gly438fs (NM_001282532.2, NM_001347511.2, NM_015339.5 and 1 more transcripts); c.1525_1526dup, p.Gly510fs (NM_001439000.1); c.625_626dup, p.Gly210fs (NM_001439001.1); short protein forms G210fs, G438fs, G510fs.
Identifiers: ClinVar variation 4886968 (VCV004886968.1).
Genomic context (GRCh38, chr20:50,893,403, plus strand): 5'-AGGAAAAAGCTCATTACAGATTGTACATATTTTCCACTTTTGAGTTGAGGAAGTGTTACC[T>TGG]GGGGGAGGGCCTGTGGCAGCTGCAGCAGGTTTGGAACTGGACTGACCTAACACTCTGGAT-3'